The following is an entry in ClinVar:

NM_021930.6(RINT1):c.1672-3del

Gene: RINT1 (RAD50 interactor 1; plus strand). Cytogenetic location: 7q22.3.
Variant type: Deletion.
Coding change: c.1672-3del on transcript NM_021930.6 (MANE Select); 3 bases into the intron before coding-DNA position 1672, one base deleted (C; older notation c.1672-3delC).
Molecular consequence: intron variant.
Genome position (GRCh38, 1-based): chr7:105,563,730, C deleted. VCF-style (leftmost placement, unchanged base first): chr7-105563729-TC-T. GRCh37 (hg19) VCF-style: chr7-105204176-TC-T.
Other names: c.649-3del (NM_001346600.2, NM_001346603.2); c.748-3del (NM_001346601.2); c.1438-3del (NM_001346599.2).
Identifiers: ClinVar variation 3227612 (VCV003227612.1), dbSNP rs1791552242, ClinGen allele CA1105478515.
Genomic context (GRCh38, chr7:105,563,729, plus strand): 5'-TGAATTCTATTTCAAACTGTTAAAAAAAAAGTATGCTAATGTGTTAACATGTTTTTGCTT[TC>T]AGTTCTTTCTACAACTTCAACAGGCTGCACTGGAGGTGTTTGCAGAGAATAATACTCTGA-3'

ClinVar aggregate classification (germline): Uncertain significance (1 of 4 stars; one submission).

Allele frequency attached by ClinVar (database versions not stated): gnomAD exomes below 0.00001; gnomAD 0.00001.

Submission:

Ambry Genetics
Classification: Uncertain significance. Last evaluated: 2023-02-28. Review status: criteria provided, single submitter. Criteria: Ambry Variant Classification Scheme 2023. Collection method: clinical testing. Allele origin: germline.
Comment: The c.1672-3delC intronic variant, located in intron 11 of the RINT1 gene, results from a deletion of one nucleotide within intron 11 of the RINT1 gene. This nucleotide position is not well conserved in available vertebrate species. In silico splice site analysis predicts that this alteration may result in the creation or strengthening of a novel splice acceptor site. The evidence for this gene-disease relationship is limited; therefore, the clinical significance of this alteration is unclear.